The following is an entry in ClinVar:

NM_001982.4(ERBB3):c.120C>T (p.Gly40=)

Gene: ERBB3 (erb-b2 receptor tyrosine kinase 3; plus strand). Cytogenetic location: 12q13.2.
Variant type: single nucleotide variant.
Coding change: c.120C>T on transcript NM_001982.4 (MANE Select); coding-DNA position 120, C replaced by T.
Protein change: p.Gly40=; no amino-acid change (glycine 40 retained).
Molecular consequence: synonymous variant.
Genome position (GRCh38, 1-based): chr12:56,083,788, C>T. VCF-style: chr12-56083788-C-T. GRCh37 (hg19) VCF-style: chr12-56477572-C-T.
Other names: c.120C>T, p.Gly40= (NM_001005915.1).
Identifiers: ClinVar variation 4989633 (VCV004989633.1).

ClinVar aggregate classification (germline): Likely benign (1 of 4 stars; one submission).

Conditions:
ERBB3-related disorder. Also called: ERBB3-related condition.

gnomAD v4.1: 17 of 1,613,920 alleles (0.0011%); highest among the groups gnomAD compares: Admixed American, 0.02%; no homozygotes.

Submission:

PreventionGenetics, part of Exact Sciences
Classification: Likely benign for ERBB3-related condition. Last evaluated: 2025-03-01. Review status: criteria provided, single submitter. Criteria: ACMG Guidelines, 2015. Collection method: clinical testing. Allele origin: germline.
Comment: This variant is classified as likely benign based on ACMG/AMP sequence variant interpretation guidelines (Richards et al. 2015 PMID: 25741868, with internal and published modifications).